The following is an entry in ClinVar:

ClinVar aggregate classification (germline): Uncertain significance. Review status: criteria provided, multiple submitters, no conflicts (2 of 4 stars). 6 submissions from 6 submitters: Uncertain significance (6). Last evaluated 2026-03-11.

Conditions:
Inborn genetic diseases. Identifiers: MedGen C0950123, MeSH D030342.
Joubert syndrome 17 (JBTS17). Identifiers: Orphanet 475, MedGen C3553264, MONDO:0013824, OMIM 614615.

Allele frequency attached by ClinVar (database versions not stated): ESP Exome Variant Server 0.00022; TOPMed 0.00008; gnomAD exomes 0.00029 and 0.00015; ExAC 0.00015; gnomAD 0.00016 and 0.00017.
gnomAD v4.1: 429 of 1,541,080 alleles (0.028%); highest among the groups gnomAD compares: Non-Finnish European, 0.034%; no homozygotes.

Submissions (6):

GeneDx
Classification: Uncertain significance. Last evaluated: 2026-03-11. Review status: criteria provided, single submitter. Criteria: GeneDx Variant Classification Process June 2021. Collection method: clinical testing. Allele origin: germline.
Comment: In silico analysis supports that this missense variant has a deleterious effect on protein structure/function; Has not been previously published as pathogenic or benign to our knowledge

Labcorp Genetics (formerly Invitae), Labcorp
Classification: Uncertain significance. Last evaluated: 2025-11-12. Review status: criteria provided, single submitter. Criteria: Invitae Variant Classification Sherloc (09022015). Collection method: clinical testing. Allele origin: germline.
Comment: This sequence change replaces proline, which is neutral and non-polar, with serine, which is neutral and polar, at codon 366 of the CPLANE1 protein (p.Pro366Ser). This variant is present in population databases (rs376489487, gnomAD 0.05%). This variant has not been reported in the literature in individuals affected with CPLANE1-related conditions. ClinVar contains an entry for this variant (Variation ID: 905940). Invitae Evidence Modeling of protein sequence and biophysical properties (such as structural, functional, and spatial information, amino acid conservation, physicochemical variation, residue mobility, and thermodynamic stability) has been performed for this missense variant. However, the output from this modeling did not meet the statistical confidence thresholds required to predict the impact of this variant on CPLANE1 protein function. In summary, the available evidence is currently insufficient to determine the role of this variant in disease. Therefore, it has been classified as a Variant of Uncertain Significance.

Blueprint Genetics
Classification: Uncertain significance. Last evaluated: 2024-11-05. Review status: criteria provided, single submitter. Criteria: ACMG Guidelines, 2015. Collection method: clinical testing. Allele origin: germline.

Ambry Genetics
Classification: Uncertain significance for Inborn genetic diseases. Last evaluated: 2021-10-13. Review status: criteria provided, single submitter. Criteria: Ambry Variant Classification Scheme 2023. Collection method: clinical testing. Allele origin: germline.

Baylor Genetics
Classification: Uncertain significance for Joubert syndrome 17. Last evaluated: 2021-04-24. Review status: criteria provided, single submitter. Criteria: ACMG Guidelines, 2015. Collection method: clinical testing. Allele origin: unknown.

Illumina Laboratory Services, Illumina
Classification: Uncertain significance for Joubert syndrome 17. Last evaluated: 2018-01-13. Review status: criteria provided, single submitter. Criteria: ICSL Variant Classification Criteria 13 December 2019. Collection method: clinical testing. Allele origin: germline.

NM_001384732.1(CPLANE1):c.1096C>T (p.Pro366Ser)

Gene: CPLANE1 (ciliogenesis and planar polarity effector complex subunit 1; minus strand). Cytogenetic location: 5p13.2.
Variant type: single nucleotide variant.
Coding change: c.1096C>T on transcript NM_001384732.1 (MANE Select); coding-DNA position 1096, C replaced by T.
Protein change: p.Pro366Ser; replaces proline 366 with serine.
Molecular consequence: missense variant.
Genome position (GRCh38, 1-based): chr5:37,230,892, G>A on the plus strand (C>T on the coding strand, the complement: CPLANE1 is on the minus strand). VCF-style: chr5-37230892-G-A. GRCh37 (hg19) VCF-style: chr5-37230994-G-A.
Other names: c.1096C>T, p.Pro366Ser (NM_023073.4); short protein forms P366S.
Identifiers: ClinVar variation 905940 (VCV000905940.10), dbSNP rs376489487, ClinGen allele CA3239136.